The following is an entry in ClinVar:

ClinVar aggregate classification (germline): Uncertain significance. Review status: criteria provided, multiple submitters, no conflicts (2 of 4 stars). 2 submissions from 2 submitters: Uncertain significance (2). Last evaluated 2024-05-15.

Conditions:
Catecholaminergic polymorphic ventricular tachycardia 1. Also called: VENTRICULAR TACHYCARDIA, STRESS-INDUCED POLYMORPHIC 1; RYR2-Related Catecholaminergic Polymorphic Ventricular Tachycardia; VENTRICULAR TACHYCARDIA, CATECHOLAMINERGIC POLYMORPHIC, 1, WITH OR WITHOUT ATRIAL DYSFUNCTION AND/OR DILATED CARDIOMYOPATHY. Identifiers: Orphanet 3286, MedGen C1631597, MONDO:0011484, OMIM 604772.

Allele frequency attached by ClinVar (database versions not stated): gnomAD 0.00001; gnomAD exomes 0.00001; TOPMed 0.00001.
gnomAD v4.1: 5 of 1,610,406 alleles (0.00031%); highest among the groups gnomAD compares: African/African-American, 0.0013%; no homozygotes.

Submissions (2):

GeneDx
Classification: Uncertain significance. Last evaluated: 2024-05-15. Review status: criteria provided, single submitter. Criteria: GeneDx Variant Classification Process June 2021. Collection method: clinical testing. Allele origin: germline. Affected: yes.
Comment: Has not been previously published as pathogenic or benign to our knowledge; Not observed at significant frequency in large population cohorts (gnomAD); Not located in one of the three hot-spot regions of the RYR2 gene, where the majority of pathogenic missense variants occur (PMID: 19926015); In silico analysis indicates that this missense variant does not alter protein structure/function; This variant is associated with the following publications: (PMID: 19926015)

Labcorp Genetics (formerly Invitae), Labcorp
Classification: Uncertain significance for Catecholaminergic polymorphic ventricular tachycardia 1. Last evaluated: 2022-09-03. Review status: criteria provided, single submitter. Criteria: Invitae Variant Classification Sherloc (09022015). Collection method: clinical testing. Allele origin: germline.
Comment: This sequence change replaces serine, which is neutral and polar, with asparagine, which is neutral and polar, at codon 742 of the RYR2 protein (p.Ser742Asn). This variant is present in population databases (no rsID available, gnomAD 0.002%). This variant has not been reported in the literature in individuals affected with RYR2-related conditions. Advanced modeling of protein sequence and biophysical properties (such as structural, functional, and spatial information, amino acid conservation, physicochemical variation, residue mobility, and thermodynamic stability) performed at Invitae indicates that this missense variant is not expected to disrupt RYR2 protein function. In summary, the available evidence is currently insufficient to determine the role of this variant in disease. Therefore, it has been classified as a Variant of Uncertain Significance.

NM_001035.3(RYR2):c.2225G>A (p.Ser742Asn)

Gene: RYR2 (ryanodine receptor 2; plus strand). Cytogenetic location: 1q43.
Variant type: single nucleotide variant.
Coding change: c.2225G>A on transcript NM_001035.3 (MANE Select); coding-DNA position 2225, G replaced by A.
Protein change: p.Ser742Asn; replaces serine 742 with asparagine.
Molecular consequence: missense variant.
Genome position (GRCh38, 1-based): chr1:237,500,732, G>A. VCF-style: chr1-237500732-G-A. GRCh37 (hg19) VCF-style: chr1-237664032-G-A.
Other names: c.2225G>A (NM_001035.2); short protein forms S742N.
Identifiers: ClinVar variation 2163898 (VCV002163898.2), dbSNP rs1483111947, ClinGen allele CA345393039.